The following is an entry in ClinVar:

ClinVar aggregate classification (germline): Pathogenic. Review status: criteria provided, single submitter (1 of 4 stars). 2 submissions from 2 submitters: Pathogenic (1). 1 of the submissions does not count toward it. Last evaluated 2026-06-19.

Conditions:
Recessive dystrophic epidermolysis bullosa (RDEB). Also called: severe generalized recessive dystrophic epidermolysis bullosa; EPIDERMOLYSIS BULLOSA DYSTROPHICA, GENERALIZED SEVERE, AUTOSOMAL RECESSIVE; DYSTROPHIC EPIDERMOLYSIS BULLOSA, AUTOSOMAL RECESSIVE; Recessive DEB (RDEB); Epidermolysis Bullosa Distrophica Autosomal Recessive (RDEB); EPIDERMOLYSIS BULLOSA DYSTROPHICA, HALLOPEAU-SIEMENS TYPE. Identifiers: Orphanet 79408, Orphanet 79409, MedGen C0079474, MONDO:0009179, OMIM 226600.
Epidermolysis bullosa, pretibial, autosomal recessive. Identifiers: MedGen C4015945.

Submissions (2):

Myriad Genetics, Inc.
Classification: Pathogenic for Recessive dystrophic epidermolysis bullosa. Last evaluated: 2026-06-19. Review status: criteria provided, single submitter. Criteria: Myriad Autosomal Dominant, Autosomal Recessive and X-Linked Classification Criteria (2023). Collection method: clinical testing. Allele origin: unknown.
Comment: NM_000094.3(COL7A1):c.267-1G>C is a variant in a canonical splice site classified as pathogenic in the context of dystrophic epidermolysis bullosa. c.267-1G>C has been observed in cases with relevant disease (PMID: 12485454, 31557321, 38237731). Relevant functional assessments of this variant are available in the literature (PMID: 12485454). c.267-1G>C has not been observed in referenced population frequency databases. In summary, NM_000094.3(COL7A1):c.267-1G>C is a variant in a canonical splice site in a gene where loss of function is a known mechanism of disease, is predicted to disrupt protein function, and has been observed more frequently in cases with the relevant disease than in healthy populations. Please note: this variant was assessed in the context of healthy population screening.

OMIM
Classification: Pathogenic for EPIDERMOLYSIS BULLOSA, PRETIBIAL, AUTOSOMAL RECESSIVE. Last evaluated: 2002-12-01. Review status: no assertion criteria provided. Collection method: literature only. Allele origin: germline. Not counted in ClinVar's aggregate classification.

Literature cited by the submitters: PubMed 12485454 (cited by Myriad Genetics, Inc. and OMIM); PubMed 31557321 (cited by Myriad Genetics, Inc.); PubMed 38237731 (cited by Myriad Genetics, Inc.).

NM_000094.4(COL7A1):c.267-1G>C

Gene: COL7A1 (collagen type VII alpha 1 chain; minus strand). Cytogenetic location: 3p21.31.
Variant type: single nucleotide variant.
Coding change: c.267-1G>C on transcript NM_000094.4 (MANE Select); the canonical splice acceptor site of the intron before coding-DNA position 267, G replaced by C.
Molecular consequence: splice acceptor variant.
Genome position (GRCh38, 1-based): chr3:48,593,697, C>G on the plus strand (G>C on the coding strand, the complement: COL7A1 is on the minus strand). VCF-style: chr3-48593697-C-G. GRCh37 (hg19) VCF-style: chr3-48631130-C-G.
Other names: IVS2AS, G-C, -1.
Identifiers: ClinVar variation 17452 (VCV000017452.2), dbSNP rs1575495784, ClinGen allele CA352749005.